The following is an entry in ClinVar:

ClinVar aggregate classification (germline): Uncertain significance (1 of 4 stars; one submission).

Allele frequency attached by ClinVar (database versions not stated): gnomAD 0.00002; ExAC 0.00003.

Submissions (2):

Labcorp Genetics (formerly Invitae), Labcorp
Classification: Uncertain significance. Last evaluated: 2025-06-12. Review status: criteria provided, single submitter. Criteria: Invitae Variant Classification Sherloc (09022015). Collection method: clinical testing. Allele origin: germline.
Comment: This sequence change replaces methionine, which is neutral and non-polar, with valine, which is neutral and non-polar, at codon 1225 of the ITSN2 protein (p.Met1225Val). This variant is present in population databases (rs746720955, gnomAD 0.01%). This variant has not been reported in the literature in individuals affected with ITSN2-related conditions. ClinVar contains an entry for this variant (Variation ID: 2179170). An algorithm developed to predict the effect of missense changes on protein structure and function outputs the following: PolyPhen-2: "Not Available". The valine amino acid residue is found in multiple mammalian species, which suggests that this missense change does not adversely affect protein function. In summary, the available evidence is currently insufficient to determine the role of this variant in disease. Therefore, it has been classified as a Variant of Uncertain Significance.

Dr. Peter K. Rogan Lab, Western University
No classification provided (evidence only). Condition: Cervical cancer. Review status: no classification provided. Collection method: in vitro. Allele origin: not applicable. Functional consequence: skipped exon, retained intron. Not counted in ClinVar's aggregate classification.

NM_006277.3(ITSN2):c.3673A>G (p.Met1225Val)

Gene: ITSN2 (intersectin 2; minus strand). Cytogenetic location: 2p23.3.
Variant type: single nucleotide variant.
Coding change: c.3673A>G on transcript NM_006277.3 (MANE Select); coding-DNA position 3673, A replaced by G.
Protein change: p.Met1225Val; replaces methionine 1225 with valine.
Molecular consequence: missense variant.
Genome position (GRCh38, 1-based): chr2:24,220,971, T>C on the plus strand (A>G on the coding strand, the complement: ITSN2 is on the minus strand). VCF-style: chr2-24220971-T-C. GRCh37 (hg19) VCF-style: chr2-24443840-T-C.
Other names: c.3631A>G, p.Met1211Val (NM_001348181.2); c.3553A>G, p.Met1185Val (NM_001348182.2); c.3592A>G, p.Met1198Val (NM_019595.4); c.3673A>G, p.Met1225Val (NM_147152.3); short protein forms M1185V, M1211V, M1198V, M1225V.
Identifiers: ClinVar variation 2179170 (VCV002179170.5), dbSNP rs746720955, ClinGen allele CA1550852.
Genomic context (GRCh38, chr2:24,220,971, plus strand): 5'-TACCCCGAGAGCTAGCCAGCAGCAGCCTCCTCACCTCGACGACGAGCTGAAGGTCAGCCA[T>C]GTACCGCTCTTCGGTCTGAATCAGCTCATGAATATAGCCCTGTCTTTTCCTCTCAATTGG-3'
Protein context (NP_006268.2, residues 1215-1235): HELIQTEERY[Met1225Val]ADLQLVVEVF